The following is an entry in ClinVar:

ClinVar aggregate classification (germline): Conflicting classifications of pathogenicity. Review status: criteria provided, conflicting classifications (1 of 4 stars). 3 submissions from 3 submitters: Uncertain significance (2); Likely benign (1). Last evaluated 2025-08-09.

Conditions:
Left ventricular noncompaction 8 (LVNC8). Identifiers: Orphanet 154, Orphanet 54260, MedGen C3809288, MONDO:0014152, OMIM 615373.
Inborn genetic diseases. Identifiers: MedGen C0950123, MeSH D030342.

Allele frequency attached by ClinVar (database versions not stated): ExAC 0.00003; gnomAD 0.00005; TOPMed 0.00005; ESP Exome Variant Server 0.00016; 1000 Genomes Project 30x 0.00031; 1000 Genomes Project 0.00040.

Submissions (3):

Ambry Genetics
Classification: Uncertain significance for Inborn genetic diseases. Last evaluated: 2025-08-09. Review status: criteria provided, single submitter. Criteria: Ambry Variant Classification Scheme 2023. Collection method: clinical testing. Allele origin: germline.

Labcorp Genetics (formerly Invitae), Labcorp
Classification: Uncertain significance for Left ventricular noncompaction 8. Last evaluated: 2025-08-01. Review status: criteria provided, single submitter. Criteria: Invitae Variant Classification Sherloc (09022015). Collection method: clinical testing. Allele origin: germline.
Comment: This sequence change replaces threonine, which is neutral and polar, with methionine, which is neutral and non-polar, at codon 621 of the PRDM16 protein (p.Thr621Met). This variant is present in population databases (rs201912252, gnomAD 0.01%). This variant has not been reported in the literature in individuals affected with PRDM16-related conditions. ClinVar contains an entry for this variant (Variation ID: 2714797). An algorithm developed to predict the effect of missense changes on protein structure and function (PolyPhen-2) suggests that this variant is likely to be disruptive. In summary, the available evidence is currently insufficient to determine the role of this variant in disease. Therefore, it has been classified as a Variant of Uncertain Significance.

Blueprint Genetics
Classification: Likely benign. Last evaluated: 2022-12-15. Review status: criteria provided, single submitter. Criteria: ACMG Guidelines, 2015. Collection method: clinical testing. Allele origin: germline.

NM_022114.4(PRDM16):c.1862C>T (p.Thr621Met)

Gene: PRDM16 (PR/SET domain 16; plus strand). Cytogenetic location: 1p36.32.
Variant type: single nucleotide variant.
Coding change: c.1862C>T on transcript NM_022114.4 (MANE Select); coding-DNA position 1862, C replaced by T.
Protein change: p.Thr621Met; replaces threonine 621 with methionine.
Molecular consequence: missense variant.
Genome position (GRCh38, 1-based): chr1:3,412,059, C>T. VCF-style: chr1-3412059-C-T. GRCh37 (hg19) VCF-style: chr1-3328623-C-T.
Other names: c.1862C>T (NM_022114.3); c.1862C>T, p.Thr621Met (NM_199454.3); short protein forms T621M.
Identifiers: ClinVar variation 2714797 (VCV002714797.5), dbSNP rs201912252, ClinGen allele CA544314.